The following is an entry in ClinVar:

NM_030962.4(SBF2):c.4698+15C>G

Genes: SBF2-AS1 (SBF2 antisense RNA 1; plus strand), SBF2 (SET binding factor 2; minus strand), LOC105369149 (uncharacterized LOC105369149; plus strand). Cytogenetic location: 11p15.4.
Variant type: single nucleotide variant.
Coding change: c.4698+15C>G on transcript NM_030962.4 (MANE Select); 15 bases into the intron after coding-DNA position 4698, C replaced by G.
Molecular consequence: intron variant.
Genome position (GRCh38, 1-based): chr11:9,790,541, G>C on the plus strand (C>G on the coding strand, the complement: SBF2 is on the minus strand). VCF-style: chr11-9790541-G-C. GRCh37 (hg19) VCF-style: chr11-9812088-G-C.
Other names: c.4569+15C>G (NM_001386342.1); c.4794+15C>G (NM_001386339.1).
Identifiers: ClinVar variation 513271 (VCV000513271.1), dbSNP rs1554901068, ClinGen allele CA658797589.

ClinVar aggregate classification (germline): Likely benign (1 of 4 stars; one submission).

Submission:

GeneDx
Classification: Likely benign. Last evaluated: 2017-11-14. Review status: criteria provided, single submitter. Criteria: GeneDx Variant Classification (06012015). Collection method: clinical testing. Allele origin: germline. Affected: yes.
Comment: This variant is considered likely benign or benign based on one or more of the following criteria: it is a conservative change, it occurs at a poorly conserved position in the protein, it is predicted to be benign by multiple in silico algorithms, and/or has population frequency not consistent with disease.